The following is an entry in ClinVar:

NM_001905.4(CTPS1):c.1398A>C (p.Lys466Asn)

Gene: CTPS1 (CTP synthase 1; plus strand). Cytogenetic location: 1p34.2.
Variant type: single nucleotide variant.
Coding change: c.1398A>C on transcript NM_001905.4 (MANE Select); coding-DNA position 1398, A replaced by C.
Protein change: p.Lys466Asn; replaces lysine 466 with asparagine.
Molecular consequence: missense variant. On other transcripts: non-coding transcript variant (1).
Genome position (GRCh38, 1-based): chr1:41,008,663, A>C. VCF-style: chr1-41008663-A-C. GRCh37 (hg19) VCF-style: chr1-41474335-A-C.
Other names: c.930A>C, p.Lys310Asn (NM_001301237.2); short protein forms K310N, K466N.
Identifiers: ClinVar variation 2844104 (VCV002844104.3), dbSNP rs2148420426, ClinGen allele CA339906087.

ClinVar aggregate classification (germline): Uncertain significance (1 of 4 stars; one submission).

Conditions:
Combined immunodeficiency due to CTPS1 deficiency. Also called: Severe combined immunodeficiency due to CTPS1 deficiency; Immunodeficiency 24. Identifiers: Orphanet 420573, MedGen C4014617, MONDO:0014391, OMIM 615897.

Submission:

Labcorp Genetics (formerly Invitae), Labcorp
Classification: Uncertain significance for Combined immunodeficiency due to CTPS1 deficiency. Last evaluated: 2024-05-07. Review status: criteria provided, single submitter. Criteria: Invitae Variant Classification Sherloc (09022015). Collection method: clinical testing. Allele origin: germline.
Comment: This sequence change replaces lysine, which is basic and polar, with asparagine, which is neutral and polar, at codon 466 of the CTPS1 protein (p.Lys466Asn). This variant is not present in population databases (gnomAD no frequency). This variant has not been reported in the literature in individuals affected with CTPS1-related conditions. An algorithm developed to predict the effect of missense changes on protein structure and function (PolyPhen-2) suggests that this variant is likely to be disruptive. In summary, the available evidence is currently insufficient to determine the role of this variant in disease. Therefore, it has been classified as a Variant of Uncertain Significance.